The following is an entry in ClinVar:

NM_053025.4(MYLK):c.1802A>C (p.His601Pro)

Gene: MYLK (myosin light chain kinase; minus strand). Cytogenetic location: 3q21.1.
Variant type: single nucleotide variant.
Coding change: c.1802A>C on transcript NM_053025.4 (MANE Select); coding-DNA position 1802, A replaced by C.
Protein change: p.His601Pro; replaces histidine 601 with proline.
Molecular consequence: missense variant.
Genome position (GRCh38, 1-based): chr3:123,722,130, T>G on the plus strand (A>C on the coding strand, the complement: MYLK is on the minus strand). VCF-style: chr3-123722130-T-G. GRCh37 (hg19) VCF-style: chr3-123440977-T-G.
Other names: c.1274A>C, p.His425Pro (NM_001321309.2); c.1595A>C, p.His532Pro (NM_053026.4, NM_053028.4); c.1802A>C, p.His601Pro (NM_053027.4); short protein forms H601P, H532P, H425P.
Identifiers: ClinVar variation 264001 (VCV000264001.17), dbSNP rs45477891, ClinGen allele CA067511.

ClinVar aggregate classification (germline): Conflicting classifications of pathogenicity. Review status: criteria provided, conflicting classifications (1 of 4 stars). 2 submissions from 2 submitters: Uncertain significance (1); Likely benign (1). Last evaluated 2025-07-27.

Conditions:
Familial thoracic aortic aneurysm and aortic dissection (TAAD). Also called: Thoracic aortic aneurysms and dissections. Identifiers: Orphanet 91387, MedGen C4707243, MONDO:0019625.
Aortic aneurysm, familial thoracic 7 (AAT7). Also called: AORTIC DISSECTION, FAMILIAL, WITH OR WITHOUT AORTIC ANEURYSM. Identifiers: MedGen C3151077, MONDO:0013418, OMIM 613780.

Allele frequency attached by ClinVar (database versions not stated): TOPMed 0.00003; ExAC 0.00011.
gnomAD v4.1: 30 of 1,565,274 alleles (0.0019%); highest among the groups gnomAD compares: Admixed American, 0.055%; 1 homozygote.

Submissions (2):

Labcorp Genetics (formerly Invitae), Labcorp
Classification: Likely benign for Aortic aneurysm, familial thoracic 7. Last evaluated: 2025-07-27. Review status: criteria provided, single submitter. Criteria: Invitae Variant Classification Sherloc (09022015). Collection method: clinical testing. Allele origin: germline.

Ambry Genetics
Classification: Uncertain significance for Familial thoracic aortic aneurysm and aortic dissection. Last evaluated: 2024-08-20. Review status: criteria provided, single submitter. Criteria: Ambry Variant Classification Scheme 2023. Collection method: clinical testing. Allele origin: germline.
Comment: The p.H601P variant (also known as c.1802A>C), located in coding exon 10 of the MYLK gene, results from an A to C substitution at nucleotide position 1802. The histidine at codon 601 is replaced by proline, an amino acid with similar properties. This amino acid position is poorly conserved in available vertebrate species. In addition, this alteration is predicted to be tolerated by in silico analysis. Based on the available evidence, the clinical significance of this variant remains unclear.